The following is an entry in ClinVar:

NM_003356.4(UCP3):c.133G>A (p.Gly45Arg)

Gene: UCP3 (uncoupling protein 3; minus strand). Cytogenetic location: 11q13.4.
Variant type: single nucleotide variant.
Coding change: c.133G>A on transcript NM_003356.4 (MANE Select); coding-DNA position 133, G replaced by A.
Protein change: p.Gly45Arg; replaces glycine 45 with arginine.
Molecular consequence: missense variant.
Genome position (GRCh38, 1-based): chr11:74,006,373, C>T on the plus strand (G>A on the coding strand, the complement: UCP3 is on the minus strand). VCF-style: chr11-74006373-C-T. GRCh37 (hg19) VCF-style: chr11-73717418-C-T.
Other names: c.133G>A, p.Gly45Arg (NM_022803.3); short protein forms G45R.
Identifiers: ClinVar variation 3054170 (VCV003054170.2), dbSNP rs749678730, ClinGen allele CA6181617.
Genomic context (GRCh38, chr11:74,006,373, plus strand): 5'-TGGTGCCCAGCACGCCACGGTACTGCACGAGCCGGGCCGTCTGGACCGCCTGGTTCTCCC[C>T]CTGGATCTGAGGGACAATAGCAGGGGGTGAGGACTCAGATGGGAAGGCAAGAAGGGGCTG-3'
Protein context (NP_003347.1, residues 35-55): DTAKVRLQIQ[Gly45Arg]ENQAVQTARL

ClinVar aggregate classification (germline): Uncertain significance (0 of 4 stars; one submission).

Conditions:
UCP3-related disorder. Also called: UCP3-related condition.

Allele frequency attached by ClinVar (database versions not stated): gnomAD 0.00001; TOPMed 0.00002.
gnomAD v4.1: 10 of 1,565,928 alleles (0.00064%); highest among the groups gnomAD compares: Non-Finnish European, 0.00086%; no homozygotes.

Submission:

PreventionGenetics, part of Exact Sciences
Classification: Uncertain significance for UCP3-related condition. Last evaluated: 2023-12-18. Review status: no assertion criteria provided. Collection method: clinical testing. Allele origin: germline.
Comment: The UCP3 c.133G>A variant is predicted to result in the amino acid substitution p.Gly45Arg. To our knowledge, this variant has not been reported in the literature. This variant is reported in 0.0010% of alleles in individuals of European (Non-Finnish) descent in gnomAD. At this time, the clinical significance of this variant is uncertain due to the absence of conclusive functional and genetic evidence.